The following is an entry in ClinVar:

NC_000005.10:g.(?_126582831)_(126584032_?)del

Gene: ALDH7A1 (aldehyde dehydrogenase 7 family member A1; minus strand). Cytogenetic location: 5q23.2.
Variant type: Deletion.
Identifiers: ClinVar variation 832420 (VCV000832420.6).

ClinVar aggregate classification (germline): Pathogenic (1 of 4 stars; one submission).

Conditions:
Pyridoxine-dependent epilepsy (EPEO4). Also called: Pyridoxine-Dependent Epilepsy - ALDH7A1; EPILEPSY, EARLY-ONSET, 4, VITAMIN B6-DEPENDENT; PYRIDOXINE DEPENDENCY WITH SEIZURES; Pyridoxine-Dependent Seizures. Identifiers: Orphanet 3006, MedGen C1849508, MONDO:0009945, OMIM 266100. Disease mechanism: loss of function.

Submission:

Labcorp Genetics (formerly Invitae), Labcorp
Classification: Pathogenic for Pyridoxine-dependent epilepsy. Last evaluated: 2022-11-08. Review status: criteria provided, single submitter. Criteria: Invitae Variant Classification Sherloc (09022015). Collection method: clinical testing. Allele origin: germline.
Comment: This variant has not been reported in the literature in individuals affected with ALDH7A1-related conditions. For these reasons, this variant has been classified as Pathogenic. This variant is a gross deletion of the genomic region encompassing exon(s) 4-5 of the ALDH7A1 gene. This deletion is out-of-frame, and is expected to create a premature termination codon and result in an absent or disrupted protein product. Loss-of-function variants in ALDH7A1 are known to be pathogenic (PMID: 16491085, 20554659).

Literature cited by the submitters: PubMed 16491085; PubMed 20554659.